The following is an entry in ClinVar:

NM_004004.6(GJB2):c.415A>T (p.Ser139Cys)

Gene: GJB2 (gap junction protein beta 2; minus strand). Cytogenetic location: 13q12.11.
Variant type: single nucleotide variant.
Coding change: c.415A>T on transcript NM_004004.6 (MANE Select); coding-DNA position 415, A replaced by T.
Protein change: p.Ser139Cys; replaces serine 139 with cysteine.
Molecular consequence: missense variant.
Genome position (GRCh38, 1-based): chr13:20,189,167, T>A on the plus strand (A>T on the coding strand, the complement: GJB2 is on the minus strand). VCF-style: chr13-20189167-T-A. GRCh37 (hg19) VCF-style: chr13-20763306-T-A.
Other names: short protein forms S139C.
Identifiers: ClinVar variation 553209 (VCV000553209.7), dbSNP rs1555341907, ClinGen allele CA387461195.
Genomic context (GRCh38, chr13:20,189,167, plus strand): 5'-CGTACATGACATAGAAGACGTACATGAAGGCGGCTTCGAAGATGACCCGGAAGAAGATGC[T>A]GCTTGTGTAGGTCCACCACAGGGAGCCTTCGATGCGGACCTTCTGGGTTTTGATCTCCTC-3'
Protein context (NP_003995.2, residues 129-149): EGSLWWTYTS[Ser139Cys]IFFRVIFEAA

ClinVar aggregate classification (germline): Likely pathogenic. Review status: criteria provided, single submitter (1 of 4 stars). 2 submissions from 2 submitters: Likely pathogenic (1). 1 of the submissions does not count toward it. Last evaluated 2023-05-19.

Conditions:
Autosomal recessive nonsyndromic hearing loss 1A (DFNB1A). Also called: GJB6-Related DFNB 1 Nonsyndromic Hearing Loss and Deafness; Deafness, autosomal recessive 1A; Connexin 26 deafness; Deafness nonsyndromic, Connexin 26 linked; GJB2-Related Autosomal Recessive Nonsyndromic Hearing Loss; Nonsyndromic Hearing Loss and Deafness, DFNB1. Identifiers: Orphanet 90636, MedGen C2673759, MONDO:0009076, OMIM 220290.

Submissions (2):

Labcorp Genetics (formerly Invitae), Labcorp
Classification: Likely pathogenic. Last evaluated: 2023-05-19. Review status: criteria provided, single submitter. Criteria: Invitae Variant Classification Sherloc (09022015). Collection method: clinical testing. Allele origin: germline.
Comment: This sequence change replaces serine, which is neutral and polar, with cysteine, which is neutral and slightly polar, at codon 139 of the GJB2 protein (p.Ser139Cys). This variant is not present in population databases (gnomAD no frequency). This missense change has been observed in individual(s) with deafness (PMID: 23751281). ClinVar contains an entry for this variant (Variation ID: 553209). Advanced modeling of protein sequence and biophysical properties (such as structural, functional, and spatial information, amino acid conservation, physicochemical variation, residue mobility, and thermodynamic stability) performed at Invitae indicates that this missense variant is expected to disrupt GJB2 protein function. This variant disrupts the p.Ser139 amino acid residue in GJB2. Other variant(s) that disrupt this residue have been determined to be pathogenic (PMID: 11493200, 12172394, 16380907, 16864573, 17041943, 21465647, 27785406). This suggests that this residue is clinically significant, and that variants that disrupt this residue are likely to be disease-causing. In summary, the currently available evidence indicates that the variant is pathogenic, but additional data are needed to prove that conclusively. Therefore, this variant has been classified as Likely Pathogenic.

Counsyl
Classification: Uncertain significance for Autosomal recessive nonsyndromic hearing loss 1A. Last evaluated: 2017-08-07. Review status: no assertion criteria provided. Collection method: clinical testing. Allele origin: unknown. Not counted in ClinVar's aggregate classification.

Literature cited by the submitters: PubMed 23751281 (cited by Labcorp Genetics (formerly Invitae), Labcorp and Counsyl); PubMed 11493200 (cited by Labcorp Genetics (formerly Invitae), Labcorp); PubMed 12172394 (cited by Labcorp Genetics (formerly Invitae), Labcorp); PubMed 16380907 (cited by Labcorp Genetics (formerly Invitae), Labcorp); PubMed 16864573 (cited by Labcorp Genetics (formerly Invitae), Labcorp); PubMed 17041943 (cited by Labcorp Genetics (formerly Invitae), Labcorp); PubMed 21465647 (cited by Labcorp Genetics (formerly Invitae), Labcorp); PubMed 27785406 (cited by Labcorp Genetics (formerly Invitae), Labcorp).